The following is an entry in ClinVar:

ClinVar aggregate classification (germline): Benign (1 of 4 stars; one submission).

Conditions:
Amyotrophic lateral sclerosis type 21. Also called: VOCAL CORD AND PHARYNGEAL DYSFUNCTION WITH DISTAL MYOPATHY; MYOPATHY, DISTAL, 2. Identifiers: Orphanet 600, Orphanet 803, MedGen C3807521, MONDO:0011632, OMIM 606070.

Allele frequency attached by ClinVar (database versions not stated): ExAC 0.00102; gnomAD exomes 0.00203 and 0.00324; 1000 Genomes Project 0.01458; 1000 Genomes Project 30x 0.01562; gnomAD 0.01655 and 0.01780; TOPMed 0.01892.
gnomAD v4.1: 3,127 of 454,150 alleles (0.69%); highest among the groups gnomAD compares: African/African-American, 5.6%; 90 homozygotes.

Submission:

Illumina Laboratory Services, Illumina
Classification: Benign for Amyotrophic lateral sclerosis type 21. Last evaluated: 2018-01-13. Review status: criteria provided, single submitter. Criteria: ICSL Variant Classification Criteria 13 December 2019. Collection method: clinical testing. Allele origin: germline.
Comment: This variant was observed in the ICSL laboratory as part of a predisposition screen in an ostensibly healthy population. It had not been previously curated by ICSL or reported in the Human Gene Mutation Database (HGMD: prior to June 1st, 2018), and was therefore a candidate for classification through an automated scoring system. Utilizing variant allele frequency, disease prevalence and penetrance estimates, and inheritance mode, an automated score was calculated to assess if this variant is too frequent to cause the disease. Based on the score and internal cut-off values, a variant classified as benign is not then subjected to further curation. The score for this variant resulted in a classification of benign for this disease.

NM_018834.6(MATR3):c.*1278T>C

Gene: MATR3 (matrin 3; plus strand). Cytogenetic location: 5q31.2.
Variant type: single nucleotide variant.
Coding change: c.*1278T>C on transcript NM_018834.6 (MANE Select); 1278 bases downstream of the stop codon, T replaced by C.
Molecular consequence: 3 prime UTR variant.
Genome position (GRCh38, 1-based): chr5:139,330,673, T>C. VCF-style: chr5-139330673-T-C. GRCh37 (hg19) VCF-style: chr5-138666362-T-C.
Other names: c.*1278T>C (NM_001194954.2, NM_001194955.2, NM_001194956.2 and 2 more transcripts).
Identifiers: ClinVar variation 351169 (VCV000351169.5), dbSNP rs116341961, ClinGen allele CA3433599.